The following is an entry in ClinVar:

ClinVar aggregate classification (germline): Uncertain significance. Review status: criteria provided, multiple submitters, no conflicts (2 of 4 stars). 2 submissions from 2 submitters: Uncertain significance (2). Last evaluated 2023-06-06.

Allele frequency attached by ClinVar (database versions not stated): gnomAD exomes below 0.00001.
gnomAD v4.1: 2 of 1,613,608 alleles (0.00012%); highest among the groups gnomAD compares: Non-Finnish European, 0.00017%; no homozygotes.

Submissions (2):

Blueprint Genetics
Classification: Uncertain significance. Last evaluated: 2023-06-06. Review status: criteria provided, single submitter. Criteria: ACMG Guidelines, 2015. Collection method: clinical testing. Allele origin: germline.

GeneDx
Classification: Uncertain significance. Last evaluated: 2019-12-27. Review status: criteria provided, single submitter. Criteria: GeneDx Variant Classification Process June 2021. Collection method: clinical testing. Allele origin: germline. Affected: yes.
Comment: Not observed in large population cohorts (Lek et al., 2016); In silico analysis, which includes protein predictors and evolutionary conservation, supports that this variant does not alter protein structure/function; Has not been previously published as pathogenic or benign to our knowledge

NM_006946.4(SPTBN2):c.6352G>A (p.Ala2118Thr)

Gene: SPTBN2 (spectrin beta, non-erythrocytic 2; minus strand). Cytogenetic location: 11q13.2.
Variant type: single nucleotide variant.
Coding change: c.6352G>A on transcript NM_006946.4 (MANE Select); coding-DNA position 6352, G replaced by A.
Protein change: p.Ala2118Thr; replaces alanine 2118 with threonine.
Molecular consequence: missense variant.
Genome position (GRCh38, 1-based): chr11:66,688,191, C>T on the plus strand (G>A on the coding strand, the complement: SPTBN2 is on the minus strand). VCF-style: chr11-66688191-C-T. GRCh37 (hg19) VCF-style: chr11-66455662-C-T.
Other names: short protein forms A2118T.
Identifiers: ClinVar variation 1311480 (VCV001311480.3), dbSNP rs1940274862, ClinGen allele CA381458834.